The following is an entry in ClinVar:

ClinVar aggregate classification (germline): Uncertain significance (1 of 4 stars; one submission).

Conditions:
Charcot-Marie-Tooth disease type 1C. Also called: CHARCOT-MARIE-TOOTH NEUROPATHY, TYPE 1C; NEUROPATHY, HEREDITARY MOTOR AND SENSORY, TYPE IC; Charcot-Marie-Tooth disease, type IC; HMSN IC; CHARCOT-MARIE-TOOTH DISEASE, DEMYELINATING, TYPE 1C; CMT, SLOW NERVE CONDUCTION TYPE C. Identifiers: Orphanet 101083, MedGen C0270913, MONDO:0010995, OMIM 601098.

Allele frequency attached by ClinVar (database versions not stated): gnomAD exomes below 0.00001.
gnomAD v4.1: 1 of 1,614,180 alleles (0.000062%); highest among the groups gnomAD compares: Non-Finnish European, 0.000085%; no homozygotes.

Submission:

Labcorp Genetics (formerly Invitae), Labcorp
Classification: Uncertain significance for Charcot-Marie-Tooth disease type 1C. Last evaluated: 2021-01-08. Review status: criteria provided, single submitter. Criteria: Invitae Variant Classification Sherloc (09022015). Collection method: clinical testing. Allele origin: germline.
Comment: This sequence change replaces alanine with valine at codon 111 of the LITAF protein (p.Ala111Val). The alanine residue is moderately conserved and there is a small physicochemical difference between alanine and valine. This variant is not present in population databases (ExAC no frequency). This variant has not been reported in the literature in individuals with LITAF-related conditions. Algorithms developed to predict the effect of missense changes on protein structure and function are either unavailable or do not agree on the potential impact of this missense change (SIFT: "Tolerated"; PolyPhen-2: "Possibly Damaging"; Align-GVGD: "Class C0"). Algorithms developed to predict the effect of sequence changes on RNA splicing suggest that this variant may create or strengthen a splice site, but this prediction has not been confirmed by published transcriptional studies. This variant disrupts the p.Ala111 amino acid residue in LITAF. Other variant(s) that disrupt this residue have been determined to be pathogenic (PMID: 28211240, Invitae). This suggests that this residue is clinically significant, and that variants that disrupt this residue are likely to be disease-causing. In summary, the available evidence is currently insufficient to determine the role of this variant in disease. Therefore, it has been classified as a Variant of Uncertain Significance.

Literature cited by the submitters: PubMed 28211240.

NM_001136472.2(LITAF):c.332C>T (p.Ala111Val)

Gene: LITAF (lipopolysaccharide induced TNF factor; minus strand). Cytogenetic location: 16p13.13.
Variant type: single nucleotide variant.
Coding change: c.332C>T on transcript NM_001136472.2 (MANE Select); coding-DNA position 332, C replaced by T.
Protein change: p.Ala111Val; replaces alanine 111 with valine.
Molecular consequence: missense variant. On other transcripts: non-coding transcript variant (1).
Genome position (GRCh38, 1-based): chr16:11,553,578, G>A on the plus strand (C>T on the coding strand, the complement: LITAF is on the minus strand). VCF-style: chr16-11553578-G-A. GRCh37 (hg19) VCF-style: chr16-11647434-G-A.
Other names: c.332C>T, p.Ala111Val (NM_001136473.1, NM_004862.4); short protein forms A111V.
Identifiers: ClinVar variation 1486153 (VCV001486153.8), dbSNP rs281865134, ClinGen allele CA394765308.